The following is an entry in ClinVar:

NM_018127.7(ELAC2):c.433-305T>C

Gene: ELAC2 (elaC ribonuclease Z 2; minus strand). Cytogenetic location: 17p12.
Variant type: single nucleotide variant.
Coding change: c.433-305T>C on transcript NM_018127.7 (MANE Select); 305 bases into the intron before coding-DNA position 433, T replaced by C.
Molecular consequence: intron variant.
Genome position (GRCh38, 1-based): chr17:13,014,801, A>G on the plus strand (T>C on the coding strand, the complement: ELAC2 is on the minus strand). VCF-style: chr17-13014801-A-G. GRCh37 (hg19) VCF-style: chr17-12918118-A-G.
Other names: c.433-305T>C (NM_001165962.2, NM_173717.2).
Identifiers: ClinVar variation 683502 (VCV000683502.1), dbSNP rs733889, ClinGen allele CA15911636.

ClinVar aggregate classification (germline): Benign (1 of 4 stars; one submission).

Allele frequency attached by ClinVar (database versions not stated): 1000 Genomes Project 0.21446; 1000 Genomes Project 30x 0.21893; TOPMed 0.26806; gnomAD 0.27334 and 0.27728.
gnomAD v4.1: 41,716 of 152,066 alleles (27%); highest among the groups gnomAD compares: Middle Eastern, 33%; 5,897 homozygotes.

Submission:

GeneDx
Classification: Benign. Last evaluated: 2018-06-14. Review status: criteria provided, single submitter. Criteria: GeneDx Variant Classification (06012015). Collection method: clinical testing. Allele origin: germline. Affected: yes.
Comment: This variant is considered likely benign or benign based on one or more of the following criteria: it is a conservative change, it occurs at a poorly conserved position in the protein, it is predicted to be benign by multiple in silico algorithms, and/or has population frequency not consistent with disease.